The following is an entry in ClinVar:

ClinVar aggregate classification (germline): Conflicting classifications of pathogenicity. Review status: criteria provided, conflicting classifications (1 of 4 stars). 2 submissions from 2 submitters: Uncertain significance (1); Likely benign (1). Last evaluated 2024-09-20.

Conditions:
Intellectual developmental disorder, X-linked, syndromic, Houge type. Also called: MENTAL RETARDATION, X-LINKED, SYNDROMIC, HOUGE TYPE; Intellectual disability, X-linked, syndromic, Houge type. Identifiers: MedGen C4538788, MONDO:0030909, OMIM 301008.

Submissions (2):

3billion
Classification: Likely benign for Intellectual developmental disorder, X-linked, syndromic, Houge type. Last evaluated: 2024-09-20. Review status: criteria provided, single submitter. Criteria: ACMG Guidelines, 2015. Collection method: clinical testing. Allele origin: germline. Affected: no.
Comment: The hemizygous variant was found in patients diagnosed with another variant in a different gene, with no symptoms related to the gene containing the hemizygous variant.

GeneDx
Classification: Uncertain significance. Last evaluated: 2020-01-28. Review status: criteria provided, single submitter. Criteria: GeneDx Variant Classification Process June 2021. Collection method: clinical testing. Allele origin: germline. Affected: yes.
Comment: Not observed in large population cohorts (Lek et al., 2016); In silico analysis, which includes protein predictors and evolutionary conservation, supports a deleterious effect; Has not been previously published as pathogenic or benign to our knowledge

NM_014927.5(CNKSR2):c.2758A>C (p.Ser920Arg)

Gene: CNKSR2 (connector enhancer of kinase suppressor of Ras 2; plus strand). Cytogenetic location: Xp22.12.
Variant type: single nucleotide variant.
Coding change: c.2758A>C on transcript NM_014927.5 (MANE Select); coding-DNA position 2758, A replaced by C.
Protein change: p.Ser920Arg; replaces serine 920 with arginine.
Molecular consequence: missense variant.
Genome position (GRCh38, 1-based): chrX:21,648,896, A>C. VCF-style: chrX-21648896-A-C. GRCh37 (hg19) VCF-style: chrX-21667014-A-C.
Other names: c.2668A>C, p.Ser890Arg (NM_001168647.3); c.2611A>C, p.Ser871Arg (NM_001330770.2); c.2521A>C, p.Ser841Arg (NM_001330772.2); short protein forms S841R, S871R, S890R, S920R.
Identifiers: ClinVar variation 1315360 (VCV001315360.3), dbSNP rs2147346551, ClinGen allele CA412553732.